The following is an entry in ClinVar:

ClinVar aggregate classification (germline): Uncertain significance. Review status: criteria provided, multiple submitters, no conflicts (2 of 4 stars). 2 submissions from 2 submitters: Uncertain significance (2). Last evaluated 2023-11-24.

Allele frequency attached by ClinVar (database versions not stated): gnomAD exomes below 0.00001; gnomAD 0.00001.
gnomAD v4.1: 2 of 1,611,554 alleles (0.00012%); highest among the groups gnomAD compares: Non-Finnish European, 0.00017%; no homozygotes.

Submissions (2):

Labcorp Genetics (formerly Invitae), Labcorp
Classification: Uncertain significance. Last evaluated: 2023-11-24. Review status: criteria provided, single submitter. Criteria: Invitae Variant Classification Sherloc (09022015). Collection method: clinical testing. Allele origin: germline.
Comment: This sequence change affects an acceptor splice site in intron 4 of the ARL3 gene. It is expected to disrupt RNA splicing. Variants that disrupt the donor or acceptor splice site typically lead to a loss of protein function (PMID: 16199547), however the current clinical and genetic evidence is not sufficient to establish whether loss-of-function variants in ARL3 cause disease. This variant is present in population databases (no rsID available, gnomAD 0.0009%). This variant has not been reported in the literature in individuals affected with ARL3-related conditions. ClinVar contains an entry for this variant (Variation ID: 1522218). Algorithms developed to predict the effect of sequence changes on RNA splicing suggest that this variant may disrupt the consensus splice site. In summary, the available evidence is currently insufficient to determine the role of this variant in disease. Therefore, it has been classified as a Variant of Uncertain Significance.

Blueprint Genetics
Classification: Uncertain significance. Last evaluated: 2023-08-23. Review status: criteria provided, single submitter. Criteria: ACMG Guidelines, 2015. Collection method: clinical testing. Allele origin: germline.

Literature cited by the submitters: PubMed 16199547 (cited by Labcorp Genetics (formerly Invitae), Labcorp).

NM_004311.4(ARL3):c.316-2A>G

Gene: ARL3 (ARF like GTPase 3; minus strand). Cytogenetic location: 10q24.32.
Variant type: single nucleotide variant.
Coding change: c.316-2A>G on transcript NM_004311.4 (MANE Select); the canonical splice acceptor site of the intron before coding-DNA position 316, A replaced by G.
Molecular consequence: splice acceptor variant.
Genome position (GRCh38, 1-based): chr10:102,686,003, T>C on the plus strand (A>G on the coding strand, the complement: ARL3 is on the minus strand). VCF-style: chr10-102686003-T-C. GRCh37 (hg19) VCF-style: chr10-104445760-T-C.
Identifiers: ClinVar variation 1522218 (VCV001522218.9), dbSNP rs1361826951, ClinGen allele CA377920919.